The following is an entry in ClinVar:

ClinVar aggregate classification (germline): Uncertain significance (1 of 4 stars; one submission).

Conditions:
Possible mitochondrial disorder - nuclear genes.

gnomAD v4.1: 7 of 1,562,554 alleles (0.00045%); highest among the groups gnomAD compares: South Asian, 0.0087%; no homozygotes.

Submission:

Genetics Laboratory, Great Ormond Street Hospital NHS Foundation Trust, North Thames Genomic Laboratory Hub
Classification: Uncertain significance for Possible mitochondrial disorder - nuclear genes. Last evaluated: 2026-03-06. Review status: criteria provided, single submitter. Criteria: ACGS Best Practice Guidelines for Variant Classification in Rare Disease 2024 v1.2. Collection method: clinical testing. Allele origin: germline. Affected: yes.
Comment: PM2_moderate, PVS1_moderate

NM_018060.4(IARS2):c.390+1G>A

Gene: IARS2 (isoleucyl-tRNA synthetase 2, mitochondrial; plus strand). Cytogenetic location: 1q41.
Variant type: single nucleotide variant.
Coding change: c.390+1G>A on transcript NM_018060.4 (MANE Select); the canonical splice donor site of the intron after coding-DNA position 390, G replaced by A.
Molecular consequence: splice donor variant.
Genome position (GRCh38, 1-based): chr1:220,096,227, G>A. VCF-style: chr1-220096227-G-A. GRCh37 (hg19) VCF-style: chr1-220269569-G-A.
Identifiers: ClinVar variation 4849821 (VCV004849821.1).
Genomic context (GRCh38, chr1:220,096,227, plus strand): 5'-CTTCATGATGGACCTCCTTATGCAAACGGTGACCCTCATGTTGGACATGCTTTAAATAAG[G>A]TAACTATAATTTAGGTTATGACACTTGAAAGAAAGTGTTTATGTAAATACTCTTTATAAA-3'